The following is an entry in ClinVar:

ClinVar aggregate classification (germline): Pathogenic/Likely pathogenic. Review status: criteria provided, multiple submitters, no conflicts (2 of 4 stars). 4 submissions from 4 submitters: Pathogenic (2); Likely pathogenic (2). Last evaluated 2025-08-31.

Conditions:
Cardiovascular phenotype. Identifiers: MedGen CN230736.
Hereditary cancer-predisposing syndrome. Also called: Neoplastic Syndromes, Hereditary; Hereditary Cancer Syndrome; Tumor predisposition; Hereditary neoplastic syndrome. Identifiers: Orphanet 140162, MedGen C0027672, MeSH D009386, MONDO:0015356.
Neurofibromatosis, familial spinal (FSNF). Identifiers: Orphanet 636, MedGen C1834235, MONDO:0008078, OMIM 162210. Disease mechanism: loss of function.
Juvenile myelomonocytic leukemia (JMML). Also called: LEUKEMIA, JUVENILE MYELOMONOCYTIC, SOMATIC. Identifiers: Orphanet 86834, MedGen C0349639, MONDO:0011908, OMIM 607785, HP:0012209.
Neurofibromatosis, type 1 (NF1). Also called: Neurofibromatosis, type I; NEUROFIBROMATOSIS, TYPE I, SOMATIC; Peripheral type neurofibromatosis; VON RECKLINGHAUSEN DISEASE. Identifiers: Orphanet 636, MedGen C0027831, MONDO:0018975, OMIM 162200. Disease mechanism: loss of function.
Neurofibromatosis-Noonan syndrome (NFNS). Also called: NEUROFIBROMATOSIS WITH NOONAN PHENOTYPE. Identifiers: Orphanet 638, MedGen C2931482, MONDO:0011035, OMIM 601321. Disease mechanism: loss of function.
Café-au-lait macules with pulmonary stenosis (WTSN). Also called: PULMONIC STENOSIS WITH CAFE-AU-LAIT SPOTS. Identifiers: MedGen C0553586, MONDO:0008672, OMIM 193520.
NF1-related disorder. Also called: NF1-related condition. Identifiers: MedGen CN379171.

Submissions (4):

Labcorp Genetics (formerly Invitae), Labcorp
Classification: Pathogenic for Neurofibromatosis, type 1. Last evaluated: 2025-08-31. Review status: criteria provided, single submitter. Criteria: Invitae Variant Classification Sherloc (09022015). Collection method: clinical testing. Allele origin: germline.
Comment: This sequence change falls in intron 37 of the NF1 gene. It does not directly change the encoded amino acid sequence of the NF1 protein. RNA analysis indicates that this variant induces altered splicing and may result in an absent or altered protein product. This variant is not present in population databases (gnomAD no frequency). This variant has been observed in individual(s) with clinical features of neurofibromatosis type 1 (PMID: 16944272, 29673180; internal data). Invitae Evidence Modeling of clinical and family history, age, sex, and reported ancestry of multiple individuals with this NF1 variant has been performed. This variant is expected to be pathogenic with a positive predictive value of at least 99%. This is a validated machine learning model that incorporates the clinical features of 1,785,918 individuals referred to our laboratory for NF1 testing. This variant is also known as IVS29+5G>A. ClinVar contains an entry for this variant (Variation ID: 653133). Variants that disrupt the consensus splice site are a relatively common cause of aberrant splicing (PMID: 17576681, 9536098). Studies have shown that this variant alters mRNA splicing and is expected to lead to the loss of protein expression (PMID: 19292874; internal data). For these reasons, this variant has been classified as Pathogenic.

Blueprint Genetics
Classification: Pathogenic for NF1-related disorders. Last evaluated: 2024-09-10. Review status: criteria provided, single submitter. Criteria: ACMG Guidelines, 2015. Collection method: clinical testing. Allele origin: germline. Affected: yes. Observed: 1 variant allele.

Fulgent Genetics
Classification: Likely pathogenic for Neurofibromatosis, type 1; Neurofibromatosis, familial spinal; Café-au-lait macules with pulmonary stenosis; Neurofibromatosis-Noonan syndrome; Juvenile myelomonocytic leukemia. Last evaluated: 2024-01-27. Review status: criteria provided, single submitter. Criteria: ACMG Guidelines, 2015. Collection method: clinical testing. Allele origin: germline.

Ambry Genetics
Classification: Likely pathogenic for Cardiovascular phenotype; Hereditary cancer-predisposing syndrome. Last evaluated: 2023-11-28. Review status: criteria provided, single submitter. Criteria: Ambry Variant Classification Scheme 2023. Collection method: clinical testing. Allele origin: germline.
Comment: The c.5546+5G>A intronic variant results from a G to A substitution 5 nucleotides after coding exon 37 in the NF1 gene. This nucleotide position is well conserved in available vertebrate species. In silico splice site analysis predicts that this alteration may weaken the native splice donor site. RNA studies have demonstrated that this alteration results in abnormal splicing in the set of samples tested (Ambry internal data). Based on the majority of available evidence to date, this variant is likely to be pathogenic.

Literature cited by the submitters: PubMed 16944272 (cited by Labcorp Genetics (formerly Invitae), Labcorp); PubMed 29673180 (cited by Labcorp Genetics (formerly Invitae), Labcorp); PubMed 17576681 (cited by Labcorp Genetics (formerly Invitae), Labcorp); PubMed 9536098 (cited by Labcorp Genetics (formerly Invitae), Labcorp); PubMed 19292874 (cited by Labcorp Genetics (formerly Invitae), Labcorp).

NM_001042492.3(NF1):c.5609+5G>A

Gene: NF1 (neurofibromin 1; plus strand). Cytogenetic location: 17q11.2.
Variant type: single nucleotide variant.
Coding change: c.5609+5G>A on transcript NM_001042492.3 (MANE Select); 5 bases into the intron after coding-DNA position 5609, G replaced by A.
Molecular consequence: intron variant.
Genome position (GRCh38, 1-based): chr17:31,327,844, G>A. VCF-style: chr17-31327844-G-A. GRCh37 (hg19) VCF-style: chr17-29654862-G-A.
Other names: c.5546+5G>A (NM_000267.4).
Identifiers: ClinVar variation 653133 (VCV000653133.10), dbSNP rs1597832498, ClinGen allele CA915949843.